The following is an entry in ClinVar:

ClinVar aggregate classification (germline): Uncertain significance (1 of 4 stars; one submission).

Submission:

GeneDx
Classification: Uncertain significance. Last evaluated: 2023-05-17. Review status: criteria provided, single submitter. Criteria: GeneDx Variant Classification Process June 2021. Collection method: clinical testing. Allele origin: germline. Affected: yes.
Comment: Not observed at significant frequency in large population cohorts (gnomAD); In silico analysis supports that this missense variant does not alter protein structure/function; Has not been previously published as pathogenic or benign to our knowledge

NM_001379451.1(BCORL1):c.1688C>T (p.Thr563Ile)

Gene: BCORL1 (BCL6 corepressor like 1; plus strand). Cytogenetic location: Xq26.1.
Variant type: single nucleotide variant.
Coding change: c.1688C>T on transcript NM_001379451.1 (MANE Select); coding-DNA position 1688, C replaced by T.
Protein change: p.Thr563Ile; replaces threonine 563 with isoleucine.
Molecular consequence: missense variant.
Genome position (GRCh38, 1-based): chrX:130,014,460, C>T. VCF-style: chrX-130014460-C-T. GRCh37 (hg19) VCF-style: chrX-129148436-C-T.
Other names: c.1688C>T, p.Thr563Ile (NM_001184772.3, NM_001379450.1, NM_021946.5); short protein forms T563I.
Identifiers: ClinVar variation 2503266 (VCV002503266.1), dbSNP rs1307555930, ClinGen allele CA414584987.